The following is an entry in ClinVar:

NM_002470.4(MYH3):c.1715G>C (p.Gly572Ala)

Gene: MYH3 (myosin heavy chain 3; minus strand). Cytogenetic location: 17p13.1.
Variant type: single nucleotide variant.
Coding change: c.1715G>C on transcript NM_002470.4 (MANE Select); coding-DNA position 1715, G replaced by C.
Protein change: p.Gly572Ala; replaces glycine 572 with alanine.
Molecular consequence: missense variant.
Genome position (GRCh38, 1-based): chr17:10,642,590, C>G on the plus strand (G>C on the coding strand, the complement: MYH3 is on the minus strand). VCF-style: chr17-10642590-C-G. GRCh37 (hg19) VCF-style: chr17-10545907-C-G.
Other names: short protein forms G572A.
Identifiers: ClinVar variation 2789048 (VCV002789048.3), dbSNP rs879174054, ClinGen allele CA398171511.
Genomic context (GRCh38, chr17:10,642,590, plus strand): 5'-GAGACACTGTAGTCCACGGTGCCCGCATAGTGGATCAGTGAGAAGTGAGCCTCGGCCCTG[C>G]CTTTGACCACCTTGGGCTTCTGGAAGTTGTTGGACTTTCCAAGATGCTGGTCATACAGCT-3'
Protein context (NP_002461.2, residues 562-582): NNFQKPKVVK[Gly572Ala]RAEAHFSLIH

ClinVar aggregate classification (germline): Uncertain significance (1 of 4 stars; one submission).

Submission:

Labcorp Genetics (formerly Invitae), Labcorp
Classification: Uncertain significance. Last evaluated: 2025-01-30. Review status: criteria provided, single submitter. Criteria: Invitae Variant Classification Sherloc (09022015). Collection method: clinical testing. Allele origin: germline.
Comment: This sequence change replaces glycine, which is neutral and non-polar, with alanine, which is neutral and non-polar, at codon 572 of the MYH3 protein (p.Gly572Ala). This variant is not present in population databases (gnomAD no frequency). This variant has not been reported in the literature in individuals affected with MYH3-related conditions. ClinVar contains an entry for this variant (Variation ID: 2789048). Invitae Evidence Modeling of protein sequence and biophysical properties (such as structural, functional, and spatial information, amino acid conservation, physicochemical variation, residue mobility, and thermodynamic stability) indicates that this missense variant is not expected to disrupt MYH3 protein function with a negative predictive value of 95%. In summary, the available evidence is currently insufficient to determine the role of this variant in disease. Therefore, it has been classified as a Variant of Uncertain Significance.